The following is an entry in ClinVar:

NM_002693.3(POLG):c.1724A>G (p.Lys575Arg)

Gene: POLG (DNA polymerase gamma, catalytic subunit; minus strand). Cytogenetic location: 15q26.1.
Variant type: single nucleotide variant.
Coding change: c.1724A>G on transcript NM_002693.3 (MANE Select); coding-DNA position 1724, A replaced by G.
Protein change: p.Lys575Arg; replaces lysine 575 with arginine.
Molecular consequence: missense variant.
Genome position (GRCh38, 1-based): chr15:89,325,675, T>C on the plus strand (A>G on the coding strand, the complement: POLG is on the minus strand). VCF-style: chr15-89325675-T-C. GRCh37 (hg19) VCF-style: chr15-89868906-T-C.
Other names: c.1724A>G, p.Lys575Arg (NM_001126131.2); short protein forms K575R.
Identifiers: ClinVar variation 4993165 (VCV004993165.1).
Genomic context (GRCh38, chr15:89,325,675, plus strand): 5'-TGCAGGCTGAGGAGGCTGGGGCCCGGGGTCCATGCAGGGTCGTCTAGCCGGGGGCAGAGC[T>C]TCCGGTACCATCTACGTCCCAGCAGGAAGACAGCAGTGTCACGATGGTAAGGGCAGTTGT-3'
Protein context (NP_002684.1, residues 565-585): HLPGHPGWYR[Lys575Arg]LCPRLDDPAW

ClinVar aggregate classification (germline): Uncertain significance (1 of 4 stars; one submission).

Conditions:
POLG-related disorder. Also called: POLG-Related Spectrum Disorders; POLG-related condition; POLG-Related Disorders. Identifiers: MedGen C4763519.

Submission:

PreventionGenetics, part of Exact Sciences
Classification: Uncertain significance for POLG-related condition. Last evaluated: 2026-09-01. Review status: criteria provided, single submitter. Criteria: ACMG Guidelines, 2015. Collection method: clinical testing. Allele origin: germline.
Comment: The POLG c.1724A>G variant is predicted to result in the amino acid substitution p.Lys575Arg. To our knowledge, this variant has not been reported in the literature or in a large population database (gnomAD), indicating this variant is rare. At this time, the clinical significance of this variant is uncertain due to the absence of conclusive functional and genetic evidence.